The following is an entry in ClinVar:

ClinVar aggregate classification (germline): Uncertain significance (1 of 4 stars; one submission).

gnomAD v4.1: 1 of 1,613,592 alleles (0.000062%); highest among the groups gnomAD compares: Non-Finnish European, 0.000085%; no homozygotes.

Submission:

Labcorp Genetics (formerly Invitae), Labcorp
Classification: Uncertain significance. Last evaluated: 2024-01-15. Review status: criteria provided, single submitter. Criteria: Invitae Variant Classification Sherloc (09022015). Collection method: clinical testing. Allele origin: germline.
Comment: This sequence change replaces glutamic acid, which is acidic and polar, with glutamine, which is neutral and polar, at codon 141 of the FGF9 protein (p.Glu141Gln). This variant is not present in population databases (gnomAD no frequency). This variant has not been reported in the literature in individuals affected with FGF9-related conditions. An algorithm developed to predict the effect of missense changes on protein structure and function (PolyPhen-2) suggests that this variant is likely to be disruptive. In summary, the available evidence is currently insufficient to determine the role of this variant in disease. Therefore, it has been classified as a Variant of Uncertain Significance.

NM_002010.3(FGF9):c.421G>C (p.Glu141Gln)

Gene: FGF9 (fibroblast growth factor 9; plus strand). Cytogenetic location: 13q12.11.
Variant type: single nucleotide variant.
Coding change: c.421G>C on transcript NM_002010.3 (MANE Select); coding-DNA position 421, G replaced by C.
Protein change: p.Glu141Gln; replaces glutamic acid 141 with glutamine.
Molecular consequence: missense variant.
Genome position (GRCh38, 1-based): chr13:21,701,229, G>C. VCF-style: chr13-21701229-G-C. GRCh37 (hg19) VCF-style: chr13-22275368-G-C.
Other names: short protein forms E141Q.
Identifiers: ClinVar variation 2741785 (VCV002741785.3), dbSNP rs1010781871, ClinGen allele CA387674657.